The following is an entry in ClinVar:

ClinVar aggregate classification (germline): Likely pathogenic (1 of 4 stars; one submission).

Conditions:
Landau-Kleffner syndrome (FESD). Also called: EPILEPSY, FOCAL, WITH SPEECH DISORDER AND WITH OR WITHOUT MENTAL RETARDATION; APHASIA, ACQUIRED, WITH EPILEPSY. Identifiers: Orphanet 1945, Orphanet 725, Orphanet 98818, MedGen C0282512, MONDO:0009509, OMIM 245570.

Submission:

Labcorp Genetics (formerly Invitae), Labcorp
Classification: Likely pathogenic for Landau-Kleffner syndrome. Last evaluated: 2023-03-14. Review status: criteria provided, single submitter. Criteria: Invitae Variant Classification Sherloc (09022015). Collection method: clinical testing. Allele origin: germline.
Comment: In summary, the currently available evidence indicates that the variant is pathogenic, but additional data are needed to prove that conclusively. Therefore, this variant has been classified as Likely Pathogenic. Algorithms developed to predict the effect of sequence changes on RNA splicing suggest that this variant may disrupt the consensus splice site. This variant has not been reported in the literature in individuals affected with GRIN2A-related conditions. This variant is not present in population databases (gnomAD no frequency). This sequence change affects an acceptor splice site in intron 6 of the GRIN2A gene. It is expected to disrupt RNA splicing. Variants that disrupt the donor or acceptor splice site typically lead to a loss of protein function (PMID: 16199547), and loss-of-function variants in GRIN2A are known to be pathogenic (PMID: 23933819, 23933820).

Literature cited by the submitters: PubMed 16199547; PubMed 23933819; PubMed 23933820.

NM_001134407.3(GRIN2A):c.1329-1G>C

Gene: GRIN2A (glutamate ionotropic receptor NMDA type subunit 2A; minus strand). Cytogenetic location: 16p13.2.
Variant type: single nucleotide variant.
Coding change: c.1329-1G>C on transcript NM_001134407.3 (MANE Select); the canonical splice acceptor site of the intron before coding-DNA position 1329, G replaced by C.
Molecular consequence: splice acceptor variant.
Genome position (GRCh38, 1-based): chr16:9,841,105, C>G on the plus strand (G>C on the coding strand, the complement: GRIN2A is on the minus strand). VCF-style: chr16-9841105-C-G. GRCh37 (hg19) VCF-style: chr16-9934962-C-G.
Other names: c.1329-1G>C (NM_001134408.2, NM_000833.5).
Identifiers: ClinVar variation 2845708 (VCV002845708.3), dbSNP rs2141346210, ClinGen allele CA394800902.